The following is an entry in ClinVar:

ClinVar aggregate classification (germline): Uncertain significance (1 of 4 stars; one submission).

Conditions:
Primary ciliary dyskinesia. Also called: Ciliary dyskinesia. Identifiers: Orphanet 244, MedGen C0008780, MONDO:0016575, HP:0012265.

Submission:

Ambry Genetics
Classification: Uncertain significance for Primary ciliary dyskinesia. Last evaluated: 2025-06-20. Review status: criteria provided, single submitter. Criteria: Ambry Variant Classification Scheme 2023. Collection method: clinical testing. Allele origin: germline.
Comment: The p.G587A variant (also known as c.1760G>C), located in coding exon 16 of the OFD1 gene, results from a G to C substitution at nucleotide position 1760. The glycine at codon 587 is replaced by alanine, an amino acid with similar properties. This amino acid position is conserved. In addition, this alteration is predicted to be tolerated by in silico analysis. Based on the available evidence, the clinical significance of this variant remains unclear.

NM_003611.3(OFD1):c.1760G>C (p.Gly587Ala)

Gene: OFD1 (OFD1 centriole and centriolar satellite protein; plus strand). Cytogenetic location: Xp22.2.
Variant type: single nucleotide variant.
Coding change: c.1760G>C on transcript NM_003611.3 (MANE Select); coding-DNA position 1760, G replaced by C.
Protein change: p.Gly587Ala; replaces glycine 587 with alanine.
Molecular consequence: missense variant.
Genome position (GRCh38, 1-based): chrX:13,760,220, G>C. VCF-style: chrX-13760220-G-C. GRCh37 (hg19) VCF-style: chrX-13778339-G-C.
Other names: c.1640G>C, p.Gly547Ala (NM_001330209.2, NM_001440948.1); c.1340G>C, p.Gly447Ala (NM_001330210.2); c.1760G>C, p.Gly587Ala (NM_001440947.1); short protein forms G447A, G587A, G547A.
Identifiers: ClinVar variation 4125270 (VCV004125270.1).